The following is an entry in ClinVar:

ClinVar aggregate classification (germline): Likely pathogenic. Review status: criteria provided, multiple submitters, no conflicts (2 of 4 stars). 2 submissions from 2 submitters: Likely pathogenic (2). Last evaluated 2026-01-26.

Conditions:
Autosomal recessive limb-girdle muscular dystrophy type 2J (LGMDR10). Also called: Limb-girdle muscular dystrophy, type 2J; MUSCULAR DYSTROPHY, LIMB-GIRDLE, AUTOSOMAL RECESSIVE 10. Identifiers: Orphanet 140922, MedGen C1837342, MONDO:0012127, OMIM 608807.
Dilated cardiomyopathy 1G (CMD1G). Identifiers: Orphanet 154, MedGen C1858763, MONDO:0011400, OMIM 604145.
Cardiovascular phenotype. Identifiers: MedGen CN230736.

Submissions (2):

Labcorp Genetics (formerly Invitae), Labcorp
Classification: Likely pathogenic for Dilated cardiomyopathy 1G; Autosomal recessive limb-girdle muscular dystrophy type 2J. Last evaluated: 2026-01-26. Review status: criteria provided, single submitter. Criteria: Invitae Variant Classification Sherloc (09022015). Collection method: clinical testing. Allele origin: germline.
Comment: This sequence change creates a premature translational stop signal (p.Trp27119*) in the TTN gene. While this is not anticipated to result in nonsense mediated decay, it is expected to create a truncated TTN protein. This variant is not present in population databases (gnomAD no frequency). This variant has not been reported in the literature in individuals affected with TTN-related conditions. ClinVar contains an entry for this variant (Variation ID: 2121040). This variant is located in the A band of TTN (PMID: 25589632). Truncating variants in this region are significantly overrepresented in patients affected with dilated cardiomyopathy (PMID: 25589632). Truncating variants in this region have also been reported in individuals affected with autosomal recessive centronuclear myopathy (PMID: 23975875). In summary, the currently available evidence indicates that the variant is pathogenic, but additional data are needed to prove that conclusively. Therefore, this variant has been classified as Likely Pathogenic.

Ambry Genetics
Classification: Likely pathogenic for Cardiovascular phenotype. Last evaluated: 2023-11-28. Review status: criteria provided, single submitter. Criteria: Ambry Variant Classification Scheme 2023. Collection method: clinical testing. Allele origin: germline.
Comment: The p.W18054* variant (also known as c.54162G>A), located in coding exon 153 of the TTN gene, results from a G to A substitution at nucleotide position 54162. This changes the amino acid from a tryptophan to a stop codon within coding exon 153. This exon is located in the A-band region of the N2-B isoform of the titin protein and is constitutively expressed in TTN transcripts (percent spliced in or PSI 100%). This alteration is expected to result in loss of function by premature protein truncation or nonsense-mediated mRNA decay. While truncating variants in TTN are present in 1-3% of the general population, truncating variants in the A-band are the most common cause of dilated cardiomyopathy (DCM) (Herman DS et al. N. Engl. J. Med., 2012 Feb;366:619-28; Roberts AM et al. Sci Transl Med, 2015 Jan;7:270ra6). TTN truncating variants encoded in constitutive exons (PSI >90%) have been found to be significantly associated with DCM regardless of their position in titin (Schafer S et al. Nat. Genet., 2017 01;49:46-53). This variant is also considered to be rare based on population cohorts in the Genome Aggregation Database (gnomAD). Based on the majority of available evidence to date, this variant is likely to be pathogenic.

Literature cited by the submitters: PubMed 25589632 (cited by Labcorp Genetics (formerly Invitae), Labcorp); PubMed 23975875 (cited by Labcorp Genetics (formerly Invitae), Labcorp).

NM_001267550.2(TTN):c.81357G>A (p.Trp27119Ter)

Genes: TTN (titin; minus strand), TTN-AS1 (TTN antisense RNA 1; plus strand). Cytogenetic location: 2q31.2.
Variant type: single nucleotide variant.
Coding change: c.81357G>A on transcript NM_001267550.2 (MANE Select); coding-DNA position 81357, G replaced by A.
Protein change: p.Trp27119Ter; replaces tryptophan 27119 with a stop codon.
Molecular consequence: nonsense.
Genome position (GRCh38, 1-based): chr2:178,564,775, C>T on the plus strand (G>A on the coding strand, the complement: TTN is on the minus strand). VCF-style: chr2-178564775-C-T. GRCh37 (hg19) VCF-style: chr2-179429502-C-T.
Other names: c.76434G>A, p.Trp25478Ter (NM_001256850.1); c.54162G>A, p.Trp18054Ter (NM_003319.4); c.73653G>A, p.Trp24551Ter (NM_133378.4); c.54537G>A, p.Trp18179Ter (NM_133432.3); c.54738G>A, p.Trp18246Ter (NM_133437.4); short protein forms W18054*, W24551*, W27119*, W18179*, W18246*, W25478*.
Identifiers: ClinVar variation 2121040 (VCV002121040.5), dbSNP rs1384101598, ClinGen allele CA349581739.